The following is an entry in ClinVar:

NM_000038.6(APC):c.3083G>A (p.Ser1028Asn)

Gene: APC (APC regulator of Wnt signaling pathway; plus strand). Cytogenetic location: 5q22.2.
Variant type: single nucleotide variant.
Coding change: c.3083G>A on transcript NM_000038.6 (MANE Select); coding-DNA position 3083, G replaced by A.
Protein change: p.Ser1028Asn; replaces serine 1028 with asparagine.
Molecular consequence: missense variant.
Genome position (GRCh38, 1-based): chr5:112,838,677, G>A. VCF-style: chr5-112838677-G-A. GRCh37 (hg19) VCF-style: chr5-112174374-G-A.
Other names: NM_000038.6(APC):c.3083G>A; p.Ser1028Asn; c.3083G>A, p.Ser1028Asn (NM_001127510.3, NM_001354895.2); c.3029G>A, p.Ser1010Asn (NM_001127511.3); c.3137G>A, p.Ser1046Asn (NM_001354896.2); c.3113G>A, p.Ser1038Asn (NM_001354897.2); c.3008G>A, p.Ser1003Asn (NM_001354898.2); c.2999G>A, p.Ser1000Asn (NM_001354899.2); and 7 more; short protein forms S1010N, S1028N, S1038N, S868N, S969N, S745N, S902N, S927N.
Identifiers: ClinVar variation 428186 (VCV000428186.20), dbSNP rs1114167617, ClinGen allele CA16028084.

ClinVar aggregate classification (germline): Likely pathogenic. Review status: reviewed by expert panel (3 of 4 stars). 4 submissions from 4 submitters: Likely pathogenic (1). 3 of the submissions do not count toward it. Last evaluated 2025-05-19.

Conditions:
Hereditary cancer-predisposing syndrome. Also called: Hereditary Cancer Syndrome; Neoplastic Syndromes, Hereditary; Hereditary neoplastic syndrome; Tumor predisposition. Identifiers: Orphanet 140162, MedGen C0027672, MeSH D009386, MONDO:0015356.
Familial adenomatous polyposis 1 (FAP1). Also called: FAMILIAL ADENOMATOUS POLYPOSIS 1, ATTENUATED; POLYPOSIS, ADENOMATOUS INTESTINAL. Identifiers: MedGen C2713442, MONDO:0021056, OMIM 175100. Disease mechanism: loss of function.

Submissions (4):

ClinGen InSiGHT Hereditary Colorectal Cancer/Polyposis Variant Curation Expert Panel
Classification: Likely pathogenic for Familial adenomatous polyposis 1. Last evaluated: 2025-05-19. Review status: reviewed by expert panel. Criteria: ClinGen InSiGHT HCCP VCEP ACMG Specifications APC V1. Collection method: curation. Allele origin: germline. Inheritance: Autosomal dominant inheritance.
Comment: The NM_000038.6:c.3083G>A variant in APC is a missense variant predicted to cause the substitution of serine to asparagine at amino acid position 1028 (p.Ser1028Asn). This variant has been reported in 4 probands/families meeting phenotypic criteria, resulting in a total phenotype score of 2 (PS4_Moderate; internal data Ambry Genetics; Labcorp Genetics (formerly Invitae); Peter MacCallum Cancer Centre, Victoria, Australia). The variant has been reported in 3 additional probands with a colorectal cancer/polyposis associated phenotype not meeting phenotypic criteria and one individual with colorectal cancer in the family history (internal data Ambry Genetics; Labcorp Genetics (formerly Invitae); Peter MacCallum Cancer Centre, Victoria, Australia). This variant has been reported to segregate with FAP in 5 meioses in 2 families (PP1_Moderate; internal data Ambry Genetics and Peter MacCallum Cancer Centre, Victoria, Australia). This variant is absent from gnomAD v2.1.1 (PM2_Supporting). Two other missense variants (c.3084T>A and c.3083G>T) in the same codon leading to a different amino acid change at this position (p.Ser1028Arg; p.Ser1028Ile) have been classified as Likely Pathogenic by the ClinGen InSiGHT Hereditary Colorectal Cancer/Polyposis Variant Curation Expert Panel (HCCP VCEP) (PM5_Supporting). In summary, this variant meets the criteria to be classified as Likely Pathogenic for autosomal-dominant inherited FAP based on the ACMG/AMP criteria applied, as specified by the HCCP VCEP: criteria PS4_Moderate, PP1_Moderate, PM2_Supporting and PM5_Supporting (VCEP specifications version v2.1.0; date of approval 11/24/2023).

Molecular Pathology, Peter Maccallum Cancer Centre
Classification: Likely pathogenic for Familial adenomatous polyposis 1. Last evaluated: 2025-03-12. Review status: criteria provided, single submitter. Criteria: ACMG Guidelines, 2015. Collection method: clinical testing. Allele origin: germline. Inheritance: Autosomal dominant inheritance. Not counted in ClinVar's aggregate classification.

Labcorp Genetics (formerly Invitae), Labcorp
Classification: Uncertain significance for Familial adenomatous polyposis 1. Last evaluated: 2023-04-15. Review status: criteria provided, single submitter. Criteria: Invitae Variant Classification Sherloc (09022015). Collection method: clinical testing. Allele origin: germline. Not counted in ClinVar's aggregate classification.
Comment: This variant is not present in population databases (gnomAD no frequency). This variant has not been reported in the literature in individuals affected with APC-related conditions. ClinVar contains an entry for this variant (Variation ID: 428186). Advanced modeling of protein sequence and biophysical properties (such as structural, functional, and spatial information, amino acid conservation, physicochemical variation, residue mobility, and thermodynamic stability) performed at Invitae indicates that this missense variant is not expected to disrupt APC protein function. In summary, the available evidence is currently insufficient to determine the role of this variant in disease. Therefore, it has been classified as a Variant of Uncertain Significance. This sequence change replaces serine, which is neutral and polar, with asparagine, which is neutral and polar, at codon 1028 of the APC protein (p.Ser1028Asn).

Ambry Genetics
Classification: Pathogenic for Hereditary cancer-predisposing syndrome. Last evaluated: 2023-03-06. Review status: criteria provided, single submitter. Criteria: Ambry Variant Classification Scheme 2023. Collection method: clinical testing. Allele origin: germline. Not counted in ClinVar's aggregate classification.
Comment: The p.S1028N pathogenic mutation (also known as c.3083G>A), located in coding exon 15 of the APC gene, results from a G to A substitution at nucleotide position 3083. The serine at codon 1028 is replaced by asparagine, an amino acid with highly similar properties. This alteration has been observed in multiple individuals with a personal and/or family history that is consistent with APC-related disease (Ambry internal data; Personal communication). This alteration was shown to segregate with disease in one family (Ambry internal data). A nearby amino acid, APC p.N1026, likely interacts directly with APC p.S1028. A missense alteration at the nearby amino acid, APC p.N1026S, which was also shown to segregate with AFAP, is impaired in its ability to bind to &beta;-Catenin and, thus, impaired in reducing &beta;-Catenin signaling (Men&eacute;ndez M et al. Gastroenterology. 2008 Jan;134:56-64; Kohler EM et al. Hum. Mol. Genet. 2008 Jul;17:1978-87). Internal structural analysis shows that this variant (p.S1028N) lies on the protein interface that is indicated to be important for &beta;-Catenin binding (Ambry internal data). This variant is considered to be rare based on population cohorts in the Genome Aggregation Database (gnomAD). This amino acid position is highly conserved in available vertebrate species. In addition, in silico predictors for this gene do not accurately predict pathogenicity. Based on the supporting evidence, this alteration is interpreted as a disease-causing mutation.

Literature cited by the submitters: PubMed 11707392 (cited by Ambry Genetics); PubMed 18166348 (cited by Ambry Genetics); PubMed 18387968 (cited by Ambry Genetics).